The following is an entry in ClinVar:

ClinVar aggregate classification (germline): Likely benign (1 of 4 stars; one submission).

Submission:

CeGaT Center for Human Genetics Tuebingen
Classification: Likely benign. Last evaluated: 2023-08-01. Review status: criteria provided, single submitter. Criteria: CeGaT Center For Human Genetics Tuebingen Variant Classification Criteria Version 2. Collection method: clinical testing. Allele origin: germline. Affected: yes. Observed: 1 variant allele.
Comment: KIR3DL2: BP4, BP7

NM_006737.4(KIR3DL2):c.675T>A (p.Ser225=)

Gene: KIR3DL2 (killer cell immunoglobulin like receptor, three Ig domains and long cytoplasmic tail 2). Cytogenetic location: 19q13.42.
Variant type: single nucleotide variant.
Coding change: c.675T>A on transcript NM_006737.4 (MANE Select); coding-DNA position 675, T replaced by A.
Protein change: p.Ser225=; no amino-acid change (serine 225 retained).
Molecular consequence: synonymous variant.
Genome position (GRCh38, 1-based): chr19:54,855,638, T>A. VCF-style: chr19-54855638-T-A. GRCh37 (hg19) VCF-style: chr19-55367093-T-A.
Other names: c.675T>A, p.Ser225= (NM_001242867.2).
Identifiers: ClinVar variation 2650493 (VCV002650493.24), dbSNP rs1173845973, ClinGen allele CA883671240.